The following is an entry in ClinVar:

NM_001197104.2(KMT2A):c.11505T>G (p.Gly3835=)

Genes: TTC36-AS1 (TTC36 and KMT2A antisense RNA 1; minus strand), KMT2A (lysine methyltransferase 2A; plus strand). Cytogenetic location: 11q23.3.
Variant type: single nucleotide variant.
Coding change: c.11505T>G on transcript NM_001197104.2 (MANE Select); coding-DNA position 11505, T replaced by G.
Protein change: p.Gly3835=; no amino-acid change (glycine 3835 retained).
Molecular consequence: synonymous variant.
Genome position (GRCh38, 1-based): chr11:118,520,877, T>G. VCF-style: chr11-118520877-T-G. GRCh37 (hg19) VCF-style: chr11-118391592-T-G.
Other names: c.11496T>G, p.Gly3832= (NM_005933.4).
Identifiers: ClinVar variation 708736 (VCV000708736.45), dbSNP rs142948344, ClinGen allele CA6304980.

ClinVar aggregate classification (germline): Benign/Likely benign. Review status: criteria provided, multiple submitters, no conflicts (2 of 4 stars). 6 submissions from 6 submitters: Benign (2); Likely benign (2). 2 of the submissions do not count toward it. Last evaluated 2026-09-01.

Allele frequency attached by ClinVar (database versions not stated): 1000 Genomes Project 0.00020; 1000 Genomes Project 30x 0.00031; gnomAD 0.00107 and 0.00120; TOPMed 0.00120; ExAC 0.00124; ESP Exome Variant Server 0.00192.
gnomAD v4.1: 3,141 of 1,611,300 alleles (0.19%); highest among the groups gnomAD compares: Non-Finnish European, 0.25%; 5 homozygotes.

Submissions (6):

CeGaT Center for Human Genetics Tuebingen
Classification: Likely benign. Last evaluated: 2026-09-01. Review status: criteria provided, single submitter. Criteria: CeGaT Center For Human Genetics Tuebingen Variant Classification Criteria Version 2. Collection method: clinical testing. Allele origin: germline. Affected: yes. Observed: 8 variant alleles.
Comment: KMT2A: BP4, BP7, BS1

Labcorp Genetics (formerly Invitae), Labcorp
Classification: Benign. Last evaluated: 2026-02-01. Review status: criteria provided, single submitter. Criteria: Invitae Variant Classification Sherloc (09022015). Collection method: clinical testing. Allele origin: germline.

Blueprint Genetics
Classification: Likely benign. Last evaluated: 2024-11-26. Review status: criteria provided, single submitter. Criteria: ACMG Guidelines, 2015. Collection method: clinical testing. Allele origin: germline.

GeneDx
Classification: Benign. Last evaluated: 2019-11-11. Review status: criteria provided, single submitter. Criteria: GeneDx Variant Classification Process June 2021. Collection method: clinical testing. Allele origin: germline. Affected: yes.

Clinical Genetics DNA and cytogenetics Diagnostics Lab, Erasmus MC, Erasmus Medical Center
Classification: Likely benign. Review status: no assertion criteria provided. Collection method: clinical testing. Allele origin: germline. Affected: yes. Study: VKGL Data-share Consensus. Not counted in ClinVar's aggregate classification.

Laboratory of Diagnostic Genome Analysis, Leiden University Medical Center (LUMC)
Classification: Likely benign. Review status: no assertion criteria provided. Collection method: clinical testing. Allele origin: germline. Affected: yes. Study: VKGL Data-share Consensus. Not counted in ClinVar's aggregate classification.